The following is an entry in ClinVar:

ClinVar aggregate classification (germline): Uncertain significance (1 of 4 stars; one submission).

Conditions:
Adenylosuccinate lyase deficiency (ADSLD). Also called: ADSL DEFICIENCY. Identifiers: Orphanet 46, MedGen C0268126, MONDO:0007068, OMIM 103050.

Submission:

Labcorp Genetics (formerly Invitae), Labcorp
Classification: Uncertain significance for Adenylosuccinate lyase deficiency. Last evaluated: 2022-10-30. Review status: criteria provided, single submitter. Criteria: Invitae Variant Classification Sherloc (09022015). Collection method: clinical testing. Allele origin: germline.
Comment: In summary, the available evidence is currently insufficient to determine the role of this variant in disease. Therefore, it has been classified as a Variant of Uncertain Significance. Experimental studies and prediction algorithms are not available or were not evaluated, and the functional significance of this variant is currently unknown. This variant has not been reported in the literature in individuals affected with ADSL-related conditions. This variant is not present in population databases (gnomAD no frequency). This variant occurs in a non-coding region of the ADSL gene. It does not change the encoded amino acid sequence of the ADSL protein.

NC_000022.11:g.40346245T>C

Gene: ADSL (adenylosuccinate lyase; plus strand). Cytogenetic location: 22q13.1.
Variant type: single nucleotide variant.
Genome position: GRCh38 VCF-style: chr22-40346245-T-C. GRCh37 (hg19) VCF-style: chr22-40742249-T-C.
Identifiers: ClinVar variation 2184519 (VCV002184519.3), dbSNP rs2044131800, ClinGen allele CA2405715732.